The following is an entry in ClinVar:

NM_177972.3(TUB):c.1193G>A (p.Arg398Lys)

Genes: RIC3 (RIC3 acetylcholine receptor chaperone; minus strand), TUB (TUB bipartite transcription factor; plus strand). Cytogenetic location: 11p15.4.
Variant type: single nucleotide variant.
Coding change: c.1193G>A on transcript NM_177972.3 (MANE Select); coding-DNA position 1193, G replaced by A.
Protein change: p.Arg398Lys; replaces arginine 398 with lysine.
Molecular consequence: missense variant.
Genome position (GRCh38, 1-based): chr11:8,100,579, G>A. VCF-style: chr11-8100579-G-A. GRCh37 (hg19) VCF-style: chr11-8122126-G-A.
Other names: c.1211G>A, p.Arg404Lys (NM_001440538.1, NM_001440539.1); c.1043G>A, p.Arg348Lys (NM_001440540.1, NM_001440542.1); c.1025G>A, p.Arg342Lys (NM_001440541.1); c.1358G>A, p.Arg453Lys (NM_003320.5); short protein forms R398K, R453K, R404K, R348K, R342K.
Identifiers: ClinVar variation 4988082 (VCV004988082.1).

ClinVar aggregate classification (germline): Uncertain significance (1 of 4 stars; one submission).

Conditions:
TUB-related disorder. Also called: TUB-related condition.

Submission:

PreventionGenetics, part of Exact Sciences
Classification: Uncertain significance for TUB-related condition. Last evaluated: 2024-10-10. Review status: criteria provided, single submitter. Criteria: ACMG Guidelines, 2015. Collection method: clinical testing. Allele origin: germline.
Comment: The TUB c.1358G>A variant is predicted to result in the amino acid substitution p.Arg453Lys. To our knowledge, this variant has not been reported in the literature or in a large population database (gnomAD), indicating this variant is rare. At this time, the clinical significance of this variant is uncertain due to the absence of conclusive functional and genetic evidence.